The following is an entry in ClinVar:

NM_007194.4(CHEK2):c.438_592+3del

Gene: CHEK2 (checkpoint kinase 2; minus strand). Cytogenetic location: 22q12.1.
Variant type: Deletion.
Coding change: c.438_592+3del on transcript NM_007194.4 (MANE Select); coding-DNA position 438 through 3 bases into the intron after coding-DNA position 592, 276 bases deleted.
Molecular consequence: splice acceptor variant, splice donor variant.
Genome position (GRCh38, 1-based): chr22:28,724,974-28,725,249, 276 bases deleted. GRCh37 (hg19): chr22:29,120,962-29,121,237.
Other names: c.-226_-72+3del (NM_001437942.1); c.438_445-51del (NM_001349956.3); c.438_592+3del (NM_145862.3); c.-340_-186+3del (NM_001257387.3); c.531_685+3del (NM_001438295.1, NM_001438293.1); c.567_721+3del (NM_001438294.1, NM_001005735.3).
Identifiers: ClinVar variation 1048945 (VCV001048945.1), dbSNP rs2146056182, ClinGen allele CA2499226086.

ClinVar aggregate classification (germline): Uncertain significance (0 of 4 stars; one submission).

Conditions:
Familial ovarian cancer. Identifiers: MedGen C5679802, MONDO:0016248.

Submission:

Department of Pathology and Laboratory Medicine, Sinai Health System
Classification: Uncertain significance for Familial ovarian cancer. Review status: no assertion criteria provided. Collection method: clinical testing. Allele origin: unknown. Affected: yes. Observed: 1 variant allele. Study: The Canadian Open Genetics Repository (COGR).
Comment: CHEK2, Exon 3,4 , c.320-?_592+?del, p.Glu107_Lys197del, Heterozygous, Uncertain Significance The CHEK2 c.320-?_592+?del variant (chr:22 g.29120965_29121355del GRCh37) results in a deletion of exons 3 and 4, although the precise breakpoints of this deletion were not determined, nor were the effects of this variant on the resulting mRNA or protein product determined. The CHEK2 p.Glu107_Lys197del variant was not identified in the literature nor was it identified in the dbSNP, ClinVar, Cosmic, MutDB, Zhejiang Colon Cancer Database, the 1000 Genomes Project, the NHLBI GO Exome Sequencing Project, the Exome Aggregation Consortium (August 8th 2016), or the Genome Aggregation Database (Feb 27, 2017). This variant is an in-frame deletion resulting in the removal of residues glutamic acid (glu) through to lysine (lys) at codons 107 through to 197; the impact of this alteration on the CHEK2 protein function is not known. In summary, based on the above information the clinical significance of this variant cannot be determined with certainty at this time. This variant is classified as uncertain significance.